The following is an entry in ClinVar:

NM_033026.6(PCLO):c.10609C>T (p.Pro3537Ser)

Gene: PCLO (piccolo presynaptic cytomatrix protein; minus strand). Cytogenetic location: 7q21.11.
Variant type: single nucleotide variant.
Coding change: c.10609C>T on transcript NM_033026.6 (MANE Select); coding-DNA position 10609, C replaced by T.
Protein change: p.Pro3537Ser; replaces proline 3537 with serine.
Molecular consequence: missense variant.
Genome position (GRCh38, 1-based): chr7:82,949,979, G>A on the plus strand (C>T on the coding strand, the complement: PCLO is on the minus strand). VCF-style: chr7-82949979-G-A. GRCh37 (hg19) VCF-style: chr7-82579295-G-A.
Other names: c.10609C>T, p.Pro3537Ser (NM_014510.3); short protein forms P3537S.
Identifiers: ClinVar variation 1513003 (VCV001513003.6), dbSNP rs1389616250, ClinGen allele CA367902775.

ClinVar aggregate classification (germline): Uncertain significance (1 of 4 stars; one submission).

Allele frequency attached by ClinVar (database versions not stated): gnomAD exomes below 0.00001; gnomAD 0.00002 and 0.00003.
gnomAD v4.1: 5 of 1,613,344 alleles (0.00031%); highest among the groups gnomAD compares: African/African-American, 0.0054%; no homozygotes.

Submission:

Labcorp Genetics (formerly Invitae), Labcorp
Classification: Uncertain significance. Last evaluated: 2022-08-09. Review status: criteria provided, single submitter. Criteria: Invitae Variant Classification Sherloc (09022015). Collection method: clinical testing. Allele origin: germline.
Comment: In summary, the available evidence is currently insufficient to determine the role of this variant in disease. Therefore, it has been classified as a Variant of Uncertain Significance. Algorithms developed to predict the effect of missense changes on protein structure and function are either unavailable or do not agree on the potential impact of this missense change (SIFT: "Deleterious"; PolyPhen-2: "Not Available"; Align-GVGD: "Class C0"). ClinVar contains an entry for this variant (Variation ID: 1513003). This variant has not been reported in the literature in individuals affected with PCLO-related conditions. This variant is present in population databases (no rsID available, gnomAD 0.008%). This sequence change replaces proline, which is neutral and non-polar, with serine, which is neutral and polar, at codon 3537 of the PCLO protein (p.Pro3537Ser).